The following is an entry in ClinVar:

ClinVar aggregate classification (germline): Likely benign. Review status: criteria provided, multiple submitters, no conflicts (2 of 4 stars). 3 submissions from 3 submitters: Likely benign (3). Last evaluated 2026-04-29.

Conditions:
TTN-related disorder. Also called: TTN-related condition; TTN-related disease; TTN-related disorders.
Autosomal recessive limb-girdle muscular dystrophy type 2J (LGMDR10). Also called: Limb-girdle muscular dystrophy, type 2J; MUSCULAR DYSTROPHY, LIMB-GIRDLE, AUTOSOMAL RECESSIVE 10. Identifiers: Orphanet 140922, MedGen C1837342, MONDO:0012127, OMIM 608807.
Dilated cardiomyopathy 1G (CMD1G). Identifiers: Orphanet 154, MedGen C1858763, MONDO:0011400, OMIM 604145.

Allele frequency attached by ClinVar (database versions not stated): gnomAD exomes 0.00001; TOPMed 0.00001; gnomAD 0.00002.
gnomAD v4.1: 13 of 1,606,850 alleles (0.00081%); highest among the groups gnomAD compares: Non-Finnish European, 0.0011%; no homozygotes.

Submissions (3):

PreventionGenetics, part of Exact Sciences
Classification: Likely benign for TTN-related condition. Last evaluated: 2026-04-29. Review status: criteria provided, single submitter. Criteria: ACMG Guidelines, 2015. Collection method: clinical testing. Allele origin: germline.
Comment: This variant is classified as likely benign based on ACMG/AMP sequence variant interpretation guidelines (Richards et al. 2015 PMID: 25741868, with internal and published modifications).

Labcorp Genetics (formerly Invitae), Labcorp
Classification: Likely benign for Dilated cardiomyopathy 1G; Autosomal recessive limb-girdle muscular dystrophy type 2J. Last evaluated: 2025-09-25. Review status: criteria provided, single submitter. Criteria: Invitae Variant Classification Sherloc (09022015). Collection method: clinical testing. Allele origin: germline.

Women's Health and Genetics/Laboratory Corporation of America, LabCorp
Classification: Likely benign. Last evaluated: 2024-07-03. Review status: criteria provided, single submitter. Criteria: LabCorp Variant Classification Summary - May 2015. Collection method: clinical testing. Allele origin: germline.
Comment: Variant summary: TTN c.10360+9A>G alters a non-conserved nucleotide located at a position not widely known to affect splicing. Consensus agreement among computation tools predict no significant impact on normal splicing. However, these predictions have yet to be confirmed by functional studies. The variant allele was found at a frequency of 8.1e-06 in 246550 control chromosomes. The available data on variant occurrences in the general population are insufficient to allow any conclusion about variant significance. To our knowledge, no occurrence of c.10360+9A>G in individuals affected with Limb-Girdle Muscular Dystrophy, Type 2J and no experimental evidence demonstrating its impact on protein function have been reported. ClinVar contains an entry for this variant (Variation ID: 715362). Based on the evidence outlined above, the variant was classified as likely benign.

NM_001267550.2(TTN):c.11311+9A>G

Gene: TTN (titin; minus strand). Cytogenetic location: 2q31.2.
Variant type: single nucleotide variant.
Coding change: c.11311+9A>G on transcript NM_001267550.2 (MANE Select); 9 bases into the intron after coding-DNA position 11311, A replaced by G.
Molecular consequence: intron variant.
Genome position (GRCh38, 1-based): chr2:178,753,115, T>C on the plus strand (A>G on the coding strand, the complement: TTN is on the minus strand). VCF-style: chr2-178753115-T-C. GRCh37 (hg19) VCF-style: chr2-179617842-T-C.
Other names: c.10222+9A>G (NM_003319.4); c.10798+9A>G (NM_133437.4); c.10597+9A>G (NM_133432.3); c.10360+9A>G (NM_133378.4, NM_001256850.1, NM_133379.5).
Identifiers: ClinVar variation 715362 (VCV000715362.13), dbSNP rs1014777394, ClinGen allele CA60991971.